The following is an entry in ClinVar:

NM_006445.4(PRPF8):c.6706G>A (p.Glu2236Lys)

Gene: PRPF8 (pre-mRNA processing factor 8; minus strand). Cytogenetic location: 17p13.3.
Variant type: single nucleotide variant.
Coding change: c.6706G>A on transcript NM_006445.4 (MANE Select); coding-DNA position 6706, G replaced by A.
Protein change: p.Glu2236Lys; replaces glutamic acid 2236 with lysine.
Molecular consequence: missense variant.
Genome position (GRCh38, 1-based): chr17:1,651,255, C>T on the plus strand (G>A on the coding strand, the complement: PRPF8 is on the minus strand). VCF-style: chr17-1651255-C-T. GRCh37 (hg19) VCF-style: chr17-1554549-C-T.
Other names: short protein forms E2236K.
Identifiers: ClinVar variation 2803610 (VCV002803610.4), dbSNP rs1911039862, ClinGen allele CA397564089.

ClinVar aggregate classification (germline): Uncertain significance. Review status: criteria provided, multiple submitters, no conflicts (2 of 4 stars). 2 submissions from 2 submitters: Uncertain significance (2). Last evaluated 2022-10-07.

Allele frequency attached by ClinVar (database versions not stated): gnomAD exomes below 0.00001; TOPMed 0.00002.
gnomAD v4.1: 2 of 1,614,092 alleles (0.00012%); highest among the groups gnomAD compares: Non-Finnish European, 0.000085%; no homozygotes.

Submissions (2):

Labcorp Genetics (formerly Invitae), Labcorp
Classification: Uncertain significance. Last evaluated: 2022-10-07. Review status: criteria provided, single submitter. Criteria: Invitae Variant Classification Sherloc (09022015). Collection method: clinical testing. Allele origin: germline.
Comment: In summary, the available evidence is currently insufficient to determine the role of this variant in disease. Therefore, it has been classified as a Variant of Uncertain Significance. Advanced modeling of protein sequence and biophysical properties (such as structural, functional, and spatial information, amino acid conservation, physicochemical variation, residue mobility, and thermodynamic stability) performed at Invitae indicates that this missense variant is not expected to disrupt PRPF8 protein function. This variant has not been reported in the literature in individuals affected with PRPF8-related conditions. This variant is not present in population databases (gnomAD no frequency). This sequence change replaces glutamic acid, which is acidic and polar, with lysine, which is basic and polar, at codon 2236 of the PRPF8 protein (p.Glu2236Lys).

Blueprint Genetics
Classification: Uncertain significance. Last evaluated: 2018-05-09. Review status: criteria provided, single submitter. Criteria: ACMG Guidelines, 2015. Collection method: clinical testing. Allele origin: germline.